The following is an entry in ClinVar:

NM_001130438.3(SPTAN1):c.1684G>T (p.Ala562Ser)

Gene: SPTAN1 (spectrin alpha, non-erythrocytic 1; plus strand). Cytogenetic location: 9q34.11.
Variant type: single nucleotide variant.
Coding change: c.1684G>T on transcript NM_001130438.3 (MANE Select); coding-DNA position 1684, G replaced by T.
Protein change: p.Ala562Ser; replaces alanine 562 with serine.
Molecular consequence: missense variant.
Genome position (GRCh38, 1-based): chr9:128,582,727, G>T. VCF-style: chr9-128582727-G-T. GRCh37 (hg19) VCF-style: chr9-131345006-G-T.
Other names: c.1684G>T, p.Ala562Ser (NM_001195532.2, NM_001363759.2, NM_001363765.2 and 1 more transcripts); short protein forms A562S.
Identifiers: ClinVar variation 588495 (VCV000588495.18), dbSNP rs773328719, ClinGen allele CA5264487.

ClinVar aggregate classification (germline): Uncertain significance. Review status: criteria provided, multiple submitters, no conflicts (2 of 4 stars). 3 submissions from 3 submitters: Uncertain significance (3). Last evaluated 2025-11-17.

Conditions:
Early-infantile DEE. Also called: Early infantile epileptic encephalopathy; Ohtahara syndrome; Early infantile epileptic encephalopathy with suppression bursts. Identifiers: Orphanet 1934, MedGen C0393706, MONDO:0800491.
Inborn genetic diseases. Identifiers: MedGen C0950123, MeSH D030342.
Developmental and epileptic encephalopathy, 5 (DEE5). Identifiers: Orphanet 3451, MedGen C3150731, MONDO:0013277, OMIM 613477.

Allele frequency attached by ClinVar (database versions not stated): gnomAD exomes 0.00001 and 0.00002; ExAC 0.00002.
gnomAD v4.1: 11 of 1,613,954 alleles (0.00068%); highest among the groups gnomAD compares: Non-Finnish European, 0.00085%; no homozygotes.

Submissions (3):

Labcorp Genetics (formerly Invitae), Labcorp
Classification: Uncertain significance for Early-infantile DEE. Last evaluated: 2025-11-17. Review status: criteria provided, single submitter. Criteria: Invitae Variant Classification Sherloc (09022015). Collection method: clinical testing. Allele origin: germline.
Comment: This sequence change replaces alanine, which is neutral and non-polar, with serine, which is neutral and polar, at codon 562 of the SPTAN1 protein (p.Ala562Ser). This variant is present in population databases (rs773328719, gnomAD 0.002%). This variant has not been reported in the literature in individuals affected with SPTAN1-related conditions. ClinVar contains an entry for this variant (Variation ID: 588495). Invitae Evidence Modeling of protein sequence and biophysical properties (such as structural, functional, and spatial information, amino acid conservation, physicochemical variation, residue mobility, and thermodynamic stability) has been performed for this missense variant. However, the output from this modeling did not meet the statistical confidence thresholds required to predict the impact of this variant on SPTAN1 protein function. In summary, the available evidence is currently insufficient to determine the role of this variant in disease. Therefore, it has been classified as a Variant of Uncertain Significance.

Genome-Nilou Lab
Classification: Uncertain significance for Developmental and epileptic encephalopathy, 5. Last evaluated: 2021-07-15. Review status: criteria provided, single submitter. Criteria: ACMG Guidelines, 2015. Collection method: clinical testing. Allele origin: germline. Affected: no.

Ambry Genetics
Classification: Uncertain significance for Inborn genetic diseases. Last evaluated: 2016-11-29. Review status: criteria provided, single submitter. Criteria: Ambry Variant Classification Scheme 2023. Collection method: clinical testing. Allele origin: germline.
Comment: The p.A562S variant (also known as c.1684G>T), located in coding exon 13 of the SPTAN1 gene, results from a G to T substitution at nucleotide position 1684. The alanine at codon 562 is replaced by serine, an amino acid with similar properties. This amino acid position is highly conserved in available vertebrate species. In addition, this alteration is predicted to be tolerated by in silico analysis. Since supporting evidence is limited at this time, the clinical significance of this alteration remains unclear.